The following is an entry in ClinVar:

ClinVar aggregate classification (germline): Conflicting classifications of pathogenicity. Review status: criteria provided, conflicting classifications (1 of 4 stars). 3 submissions from 3 submitters: Uncertain significance (2); Likely benign (1). Last evaluated 2026-08-27.

Conditions:
PRPF8-related disorder. Also called: PRPF8-related condition.

Allele frequency attached by ClinVar (database versions not stated): gnomAD exomes 0.00003; ExAC 0.00005; 1000 Genomes Project 0.00020; ESP Exome Variant Server 0.00023; gnomAD 0.00023 and 0.00024; TOPMed 0.00028; 1000 Genomes Project 30x 0.00031.

Submissions (3):

PreventionGenetics, part of Exact Sciences
Classification: Uncertain significance for PRPF8-related condition. Last evaluated: 2026-08-27. Review status: criteria provided, single submitter. Criteria: ACMG Guidelines, 2015. Collection method: clinical testing. Allele origin: germline.
Comment: The PRPF8 c.5138+5G>C variant is predicted to interfere with splicing. This variant is predicted to impact splicing according to one available splicing prediction program (SpliceAI, Jaganathan et al. 2019. PubMed ID: 30661751). To our knowledge, this variant has not been reported in the literature. However, this variant is reported in 0.036% of alleles in individuals of African descent in gnomAD, which is likely to be too frequent to be a primary cause of disease. Although we suspect that this variant may be benign, at this time, the clinical significance of this variant is uncertain due to the absence of conclusive functional and genetic evidence.

Labcorp Genetics (formerly Invitae), Labcorp
Classification: Uncertain significance. Last evaluated: 2024-10-06. Review status: criteria provided, single submitter. Criteria: Invitae Variant Classification Sherloc (09022015). Collection method: clinical testing. Allele origin: germline.
Comment: This sequence change falls in intron 32 of the PRPF8 gene. It does not directly change the encoded amino acid sequence of the PRPF8 protein. It affects a nucleotide within the consensus splice site. This variant is present in population databases (rs377003550, gnomAD 0.04%). This variant has been observed in individuals with clinical features of retinitis pigmentosa (internal data). ClinVar contains an entry for this variant (Variation ID: 838017). Variants that disrupt the consensus splice site are a relatively common cause of aberrant splicing (PMID: 17576681, 9536098). Algorithms developed to predict the effect of sequence changes on RNA splicing suggest that this variant may disrupt the consensus splice site. In summary, the available evidence is currently insufficient to determine the role of this variant in disease. Therefore, it has been classified as a Variant of Uncertain Significance.

Blueprint Genetics
Classification: Likely benign. Last evaluated: 2023-10-04. Review status: criteria provided, single submitter. Criteria: ACMG Guidelines, 2015. Collection method: clinical testing. Allele origin: germline.

Literature cited by the submitters: PubMed 17576681 (cited by Labcorp Genetics (formerly Invitae), Labcorp); PubMed 9536098 (cited by Labcorp Genetics (formerly Invitae), Labcorp).

NM_006445.4(PRPF8):c.5138+5G>C

Gene: PRPF8 (pre-mRNA processing factor 8; minus strand). Cytogenetic location: 17p13.3.
Variant type: single nucleotide variant.
Coding change: c.5138+5G>C on transcript NM_006445.4 (MANE Select); 5 bases into the intron after coding-DNA position 5138, G replaced by C.
Molecular consequence: intron variant.
Genome position (GRCh38, 1-based): chr17:1,659,352, C>G on the plus strand (G>C on the coding strand, the complement: PRPF8 is on the minus strand). VCF-style: chr17-1659352-C-G. GRCh37 (hg19) VCF-style: chr17-1562646-C-G.
Identifiers: ClinVar variation 838017 (VCV000838017.8), dbSNP rs377003550, ClinGen allele CA8271522.